The following is an entry in ClinVar:

NM_198253.3(TERT):c.3399A>G (p.Ter1133Trp)

Gene: TERT (telomerase reverse transcriptase; minus strand). Cytogenetic location: 5p15.33.
Variant type: single nucleotide variant.
Coding change: c.3399A>G on transcript NM_198253.3 (MANE Select); coding-DNA position 3399, A replaced by G.
Protein change: p.Ter1133Trp.
Molecular consequence: stop lost. On other transcripts: non-coding transcript variant (2).
Genome position (GRCh38, 1-based): chr5:1,253,728, T>C on the plus strand (A>G on the coding strand, the complement: TERT is on the minus strand). VCF-style: chr5-1253728-T-C. GRCh37 (hg19) VCF-style: chr5-1253843-T-C.
Other names: *1133W; *1070W; c.3210A>G, p.Ter1070Trp (NM_001193376.3).
Identifiers: ClinVar variation 446375 (VCV000446375.2), dbSNP rs1554038048, ClinGen allele CA359066390.

ClinVar aggregate classification (germline): Conflicting classifications of pathogenicity. Review status: criteria provided, conflicting classifications (1 of 4 stars). 2 submissions from 2 submitters: Likely pathogenic (1); Uncertain significance (1). Last evaluated 2024-11-08.

Conditions:
Pulmonary fibrosis and/or bone marrow failure, Telomere-related, 1. Also called: PULMONARY FIBROSIS AND/OR BONE MARROW FAILURE SYNDROME, TELOMERE-RELATED, 1. Identifiers: Orphanet 88, MedGen C3553617, MONDO:0013878, OMIM 614742.

Submissions (2):

Women's Health and Genetics/Laboratory Corporation of America, LabCorp
Classification: Uncertain significance. Last evaluated: 2024-11-08. Review status: criteria provided, single submitter. Criteria: LabCorp Variant Classification Summary - May 2015. Collection method: clinical testing. Allele origin: germline.
Comment: Variant summary: TERT c.3399A>G (p.X1133TrpextX39) changes the termination codon and is predicted to lead to an extended protein with additional amino acids added to the normal C-terminus. The variant was absent in 239294 control chromosomes (gnomAD). c.3399A>G has been reported in the literature in heterozygous state in an individual affected with aplastic anemia, who had shorter telomere length and positive family history for pulmonary fibrosis (Norberg_2018); in this family the variant was also found in a heterozygous unaffected parent, who had telomeres within the lower normal range, however, variable penetrance is known for TERT-Related Disorders. These data do not allow clear conclusions about variant significance. To our knowledge, no experimental evidence demonstrating an impact on protein function has been reported. However, other variants affecting the C-terminal region of the protein (e.g. c.3346_*123del177 / p.Glu1116fsX, p.Phe1127Leu, p.Thr1129Pro, p.Ile1130Val) have been reported in affected individuals (HGMD), indicating the functional importance of this protein region. ClinVar contains an entry for this variant (Variation ID: 446375). Based on the evidence outlined above, the variant was classified as VUS-possibly pathogenic.

Degerman lab, Umeå University
Classification: Likely pathogenic for Pulmonary fibrosis and/or bone marrow failure, Telomere-related, 1. Last evaluated: 2017-11-23. Review status: criteria provided, single submitter. Criteria: ACMG Guidelines, 2015. Collection method: clinical testing. Allele origin: germline. Affected: yes. Observed: 1 variant allele.

Literature cited by the submitters: PubMed 29483670 (cited by Women's Health and Genetics/Laboratory Corporation of America, LabCorp and Degerman lab, Umeå University).